The following continues an entry in ClinVar:

NM_175914.5(HNF4A):c.932G>A (p.Arg311His)

Gene: HNF4A. ClinVar aggregate classification (germline): Pathogenic. Pathogenic (1).

Submissions 6 to 14 of 14:

GeneDx
Classification: Pathogenic. Last evaluated: 2025-11-18. Review status: criteria provided, single submitter. Criteria: GeneDx Variant Classification Process June 2021. Collection method: clinical testing. Allele origin: germline. Affected: yes. Not counted in ClinVar's aggregate classification.
Comment: Located in the critical Ligand binding domain; Not observed at significant frequency in large population cohorts (gnomAD); In silico analysis supports that this missense variant has a deleterious effect on protein structure/function; Also known as R324H; This variant is associated with the following publications: (PMID: 24947580, 10768098, 32533152, 23348805, 16917892, 34426522, 16640558, 23485969, 12110948, 36208030, 26059258, 36257325, 25414397, 35460704, 36227502, 39676784, 37931151, Canpolat2022[article])

Labcorp Genetics (formerly Invitae), Labcorp
Classification: Likely pathogenic. Last evaluated: 2024-10-13. Review status: criteria provided, single submitter. Criteria: Invitae Variant Classification Sherloc (09022015). Collection method: clinical testing. Allele origin: germline. Not counted in ClinVar's aggregate classification.
Comment: This sequence change replaces arginine, which is basic and polar, with histidine, which is basic and polar, at codon 311 of the HNF4A protein (p.Arg311His). This variant is present in population databases (no rsID available, gnomAD 0.006%). This missense change has been observed in individuals with maturity onset diabetes of the young (PMID: 10768098, 25414397, 26059258, 32533152, 36227502, 36257325; internal data). This variant is also known as R324H. ClinVar contains an entry for this variant (Variation ID: 586023). Invitae Evidence Modeling of protein sequence and biophysical properties (such as structural, functional, and spatial information, amino acid conservation, physicochemical variation, residue mobility, and thermodynamic stability) has been performed for this missense variant. However, the output from this modeling did not meet the statistical confidence thresholds required to predict the impact of this variant on HNF4A protein function. Experimental studies have shown that this missense change does not substantially affect HNF4A function (PMID: 12110948). This variant disrupts the p.Arg311 amino acid residue in HNF4A. Other variant(s) that disrupt this residue have been determined to be pathogenic (PMID: 28862987, 36257325). This suggests that this residue is clinically significant, and that variants that disrupt this residue are likely to be disease-causing. In summary, the currently available evidence indicates that the variant is pathogenic, but additional data are needed to prove that conclusively. Therefore, this variant has been classified as Likely Pathogenic.

Department Of Endocrinology, Sanjay Gandhi Postgraduate Institute Of Medical Sciences
Classification: Likely pathogenic for Maturity-onset diabetes of the young type 1. Last evaluated: 2023-08-15. Review status: criteria provided, single submitter. Criteria: ACMG Guidelines, 2015. Collection method: research. Allele origin: maternal. Inheritance: Autosomal dominant inheritance. Affected: yes. Observed: 1 heterozygote. Not counted in ClinVar's aggregate classification.
Comment: A heterozygous missense variation in exon 8 of the HNF4A gene (chr20:g.43052763G>A) that results in the amino acid substitution of Histidine for Arginine at codon 333. The observed variation lies in the ligand-binding domain of the HNF4A protein and has previously been reported in patients affected with MODY (eg. PMID: 26059258, 25414397, 24947580). The in silico predictions of the variant are probably damaging by PolyPhen-2, and damaging by SIFT and MutationTaster2. The reference codon is conserved across species. The p.Arg333His variant has not been reported in the 1000 genomes and gnomAD. The variant was found to co-segregate with early onset diabetes mellitus in the family tested. PM1, PM2, PP1, PP3, PP5

Geisinger Clinic, Geisinger Health System
Classification: Likely pathogenic for Maturity-onset diabetes of the young type 1. Last evaluated: 2022-08-02. Review status: criteria provided, single submitter. Criteria: ACMG Guidelines, 2015. Collection method: research. Allele origin: germline. Inheritance: Autosomal dominant inheritance. Affected: yes. Observed: 2 variant alleles. Not counted in ClinVar's aggregate classification.
Comment: PM2, PP3, PM5, PP4, PM1_Supporting

Blueprint Genetics
Classification: Pathogenic for HNF4A-related disorders. Last evaluated: 2021-07-20. Review status: criteria provided, single submitter. Criteria: ACMG Guidelines, 2015. Collection method: clinical testing. Allele origin: germline. Affected: yes. Observed: 2 variant alleles. Not counted in ClinVar's aggregate classification.

Laboratory for Molecular Medicine, Mass General Brigham Personalized Medicine
Classification: Likely pathogenic for Maturity-onset diabetes of the young. Last evaluated: 2020-11-06. Review status: criteria provided, single submitter. Criteria: ACMG Guidelines, 2015. Collection method: clinical testing. Allele origin: germline. Not counted in ClinVar's aggregate classification.
Comment: The p.Arg326His (p.Arg333His) variant in HNF4A has been reported in at least 1 individual with type II diabetes (Price PMID: 10768098) and in 3 children with maturity-onset diabetes of the young, segregating with hyperglycemia (albeit different phenotypes) in at least 4 relatives from 2 families (Delvecchio 2014 PMID: 24947580), Delvecchio 2014 PMID: 25414397, Chambers 2016 PMID: 26059258). It has also been reported in ClinVar (Variation ID: 586023). It has been identified in 0.005% (1/18346) of East Asian chromosomes by gnomAD. Computational prediction tools and conservation analyses suggest that this variant may impact the protein, though this information is not predictive enough to determine pathogenicity. In vitro functional studies provide some evidence that this variant may impact protein function (Chandra 2013 PMID: 23485969). However, these types of assays may not accurately represent biological function. The p.Arg333His variant is located in a region of HNF4A that is essential to ligand binding and stability (Chandra 2013 PMID: 23485969). In summary although additional studies are required to fully establish its clinical significance, this variant meets criteria to be classified as likely pathogenic for autosomal dominant maturity onset diabetes of the young (MODY). ACMG/AMP Criteria applied: PM2, PP3,PP1, PS4_Supporting, PS3_Supporting, PM1_Supporting.

Broad Center for Mendelian Genomics, Broad Institute of MIT and Harvard
Classification: Uncertain significance for Maturity-onset diabetes of the young type 1. Last evaluated: 2020-01-22. Review status: criteria provided, single submitter. Criteria: ACMG Guidelines, 2015. Collection method: curation. Allele origin: germline. Inheritance: Autosomal dominant inheritance. Not counted in ClinVar's aggregate classification.
Comment: The p.Arg333His variant in HNF4A has been reported in at least 3 individuals with maturity-onset diabetes of the young type 1 (MODY1) (PMID: 24947580, 25414397, 26059258) and has been Identified in 0.005451% (1/18346) of East Asian chromosomes by the Genome Aggregation Database (gnomAD; dbSNP rs1375557127). In vitro functional studies demonstrating reduced relative activity in cells transfected with the variant provide some evidence that the p.Arg333His variant may slightly impact protein function (PMID: 23485969). However, these types of assays may not accurately represent biological function. Computational prediction tools and conservation analyses suggest that this variant may impact the protein, though this information is not predictive enough to determine pathogenicity. The p.Arg333His variant is located in a region of HNF1A that is essential to ligand binding and stability, suggesting that this variant is in a functional domain and slightly supports pathogenicity (PMID: 23485969). In summary, while there is some suspicion for a pathogenic role, the clinical significance of this variant is uncertain. ACMG/AMP Criteria applied: BS1, PM2, PP3, PS4_supporting, PS3_supporting, PM1_supporting (Richards 2015).

Athena Diagnostics
Classification: Uncertain significance. Last evaluated: 2017-11-22. Review status: criteria provided, single submitter. Criteria: Athena Diagnostics Criteria. Collection method: clinical testing. Allele origin: germline. Not counted in ClinVar's aggregate classification.

Translational Genomics Laboratory, University of Maryland School of Medicine
Classification: Pathogenic for Maturity-onset diabetes of the young, type 1. Last evaluated: 2017-10-19. Review status: criteria provided, single submitter. Criteria: ACMG Guidelines, 2015. Collection method: clinical testing. Allele origin: germline. Affected: yes. Not counted in ClinVar's aggregate classification.
Comment: The c.923G>A variant in codon 308 (exon 10) of the Hepatocyte Nuclear Factor 4-Alpha gene, HNF4A, results in the substitution of Arginine to Histidine. Missense mutations in the HNF4A gene, including ones in exon 10, have been reported previously in patients with a clinical picture consistent with Maturity-Onset Diabetes of the Young, Type 1 (MODY1) (23348805). The c.923G>A variant was not observed in the NHLBI Exome Sequencing Project, 1000 Genomes Project, or Exome Aggregation Consortium databases; however, the c.923G>A variant has been previously identified in multiple individuals with a diagnosis of MODY1 (10768098, 24947580, 26059258), with evidence of co-segregation in three families (24947580, K. Colclough, personal communication, January 3rd, 2017). Different amino acid substitutions at Arg308 (Arg308Cys and Arg308Ser) have been identified in patients with a strong MODY1 phenotype and have shown co-segregation in one family (K. Colclough, personal communication, January 3rd, 2017). Additionally, multiple lines of computational evidence (SIFT, Polyphen, MutationTaster, FATHMM, MetaSVM, MetalR, Provean, GERP, CADD) predict this variant is probably damaging to the protein structure, function, or protein-protein interaction. The c.923G>A variant is located in the ligand-binding domain of the protein, a region of the protein that has minimal benign variation among individuals in population databases and in the literature (23485969, 16917892). ACMG criteria = PP1-strong, PM1, PM2, PM5, PP3

Literature cited by the submitters: PubMed 10768098 (cited by 7 submitters); PubMed 12110948 (cited by 4 submitters); PubMed 12220494 (cited by Ambry Genetics); PubMed 16640558 (cited by Ambry Genetics and Women's Health and Genetics/Laboratory Corporation of America, LabCorp); PubMed 23485969 (cited by 5 submitters); PubMed 24947580 (cited by 7 submitters); PubMed 25414397 (cited by 7 submitters); PubMed 26059258 (cited by 8 submitters); PubMed 38821874 (cited by Ambry Genetics); PubMed 29355436 (cited by Women's Health and Genetics/Laboratory Corporation of America, LabCorp); PubMed 32533152 (cited by 3 submitters); PubMed 36227502 (cited by 3 submitters); PubMed 30648609 (cited by Women's Health and Genetics/Laboratory Corporation of America, LabCorp); PubMed 33950347 (cited by Variantyx, Inc.); PubMed 36257325 (cited by 3 submitters); PubMed 28862987 (cited by Labcorp Genetics (formerly Invitae), Labcorp); PubMed 12193589 (cited by Athena Diagnostics); PubMed 23348805 (cited by Translational Genomics Laboratory, University of Maryland School of Medicine); PubMed 16917892 (cited by Translational Genomics Laboratory, University of Maryland School of Medicine).